The following is an entry in ClinVar:

NM_213720.3(CHCHD10):c.412C>T (p.Leu138=)

Gene: CHCHD10 (coiled-coil-helix-coiled-coil-helix domain containing 10; minus strand). Cytogenetic location: 22q11.23.
Variant type: single nucleotide variant.
Coding change: c.412C>T on transcript NM_213720.3 (MANE Select); coding-DNA position 412, C replaced by T.
Protein change: p.Leu138=; no amino-acid change (leucine 138 retained).
Molecular consequence: synonymous variant. On other transcripts: non-coding transcript variant (2).
Genome position (GRCh38, 1-based): chr22:23,766,024, G>A on the plus strand (C>T on the coding strand, the complement: CHCHD10 is on the minus strand). VCF-style: chr22-23766024-G-A. GRCh37 (hg19) VCF-style: chr22-24108211-G-A.
Other names: c.433C>T, p.Leu145= (NM_001301339.2).
Identifiers: ClinVar variation 2922604 (VCV002922604.10), dbSNP rs1397004301, ClinGen allele CA513741161.

ClinVar aggregate classification (germline): Likely benign. Review status: criteria provided, multiple submitters, no conflicts (2 of 4 stars). 3 submissions from 3 submitters: Likely benign (3). Last evaluated 2026-01-19.

Conditions:
Frontotemporal dementia and/or amyotrophic lateral sclerosis 2. Also called: FTDALS2. Identifiers: Orphanet 275872, MedGen C4014648, MONDO:0014395, OMIM 615911.
Autosomal dominant mitochondrial myopathy with exercise intolerance (IMMD). Also called: Myopathy, isolated mitochondrial, autosomal dominant. Identifiers: Orphanet 457050, MedGen C4015513, MONDO:0014532, OMIM 616209.
Lower motor neuron syndrome with late-adult onset (SMAJ). Also called: Spinal muscular atrophy, Jokela type; Late-Onset Spinal Motor Neuronopathy (SMAJ). Identifiers: Orphanet 276435, MedGen C3554398, MONDO:0014025, OMIM 615048.

Allele frequency attached by ClinVar (database versions not stated): gnomAD exomes below 0.00001; TOPMed 0.00002; gnomAD 0.00003.

Submissions (3):

Labcorp Genetics (formerly Invitae), Labcorp
Classification: Likely benign for Lower motor neuron syndrome with late-adult onset; Frontotemporal dementia and/or amyotrophic lateral sclerosis 2; Autosomal dominant mitochondrial myopathy with exercise intolerance. Last evaluated: 2026-01-19. Review status: criteria provided, single submitter. Criteria: Invitae Variant Classification Sherloc (09022015). Collection method: clinical testing. Allele origin: germline.

CeGaT Center for Human Genetics Tuebingen
Classification: Likely benign. Last evaluated: 2025-10-01. Review status: criteria provided, single submitter. Criteria: CeGaT Center For Human Genetics Tuebingen Variant Classification Criteria Version 2. Collection method: clinical testing. Allele origin: germline. Affected: yes. Observed: 1 variant allele.
Comment: CHCHD10: BP4, BP7

Blueprint Genetics
Classification: Likely benign. Last evaluated: 2023-01-23. Review status: criteria provided, single submitter. Criteria: ACMG Guidelines, 2015. Collection method: clinical testing. Allele origin: germline.